The following is an entry in ClinVar:

ClinVar aggregate classification (germline): Pathogenic/Likely pathogenic. Review status: criteria provided, multiple submitters, no conflicts (2 of 4 stars). 2 submissions from 2 submitters: Pathogenic (1); Likely pathogenic (1). Last evaluated 2024-03-25.

Conditions:
Hemochromatosis type 2A (HFE2A). Also called: HJV (HFE2)-Related Juvenile Hemochromatosis; Adult-Onset Hemochromatosis. Identifiers: Orphanet 79230, MedGen C1865614, MONDO:0011216, OMIM 602390.

Submissions (2):

Fulgent Genetics
Classification: Likely pathogenic for Hemochromatosis type 2A. Last evaluated: 2024-03-25. Review status: criteria provided, single submitter. Criteria: ACMG Guidelines, 2015. Collection method: clinical testing. Allele origin: germline.

Labcorp Genetics (formerly Invitae), Labcorp
Classification: Pathogenic. Last evaluated: 2023-09-21. Review status: criteria provided, single submitter. Criteria: Invitae Variant Classification Sherloc (09022015). Collection method: clinical testing. Allele origin: germline.
Comment: This sequence change creates a premature translational stop signal (p.Ser48*) in the HJV gene. It is expected to result in an absent or disrupted protein product. Loss-of-function variants in HJV are known to be pathogenic (PMID: 20301349, 22408404). This variant is not present in population databases (gnomAD no frequency). This variant has not been reported in the literature in individuals affected with HJV-related conditions. For these reasons, this variant has been classified as Pathogenic.

Literature cited by the submitters: PubMed 20301349 (cited by Labcorp Genetics (formerly Invitae), Labcorp); PubMed 22408404 (cited by Labcorp Genetics (formerly Invitae), Labcorp).

NM_213653.4(HJV):c.143C>A (p.Ser48Ter)

Gene: HJV (hemojuvelin BMP co-receptor; minus strand). Cytogenetic location: 1q21.1.
Variant type: single nucleotide variant.
Coding change: c.143C>A on transcript NM_213653.4 (MANE Select); coding-DNA position 143, C replaced by A.
Protein change: p.Ser48Ter; replaces serine 48 with a stop codon.
Molecular consequence: nonsense. On other transcripts: 5 prime UTR variant (1), intron variant (3).
Genome position (GRCh38, 1-based): chr1:146,019,689, G>T on the plus strand (C>A on the coding strand, the complement: HJV is on the minus strand). VCF-style: chr1-146019689-G-T. GRCh37 (hg19) VCF-style: chr1-145415324-C-A.
Other names: c.143C>A, p.Ser48Ter (NM_001379352.1); c.-197C>A (NM_145277.5); c.-21-989C>A (NM_213652.4); c.-22+9C>A (NM_202004.4, NM_001316767.2); short protein forms S48*.
Identifiers: ClinVar variation 2978830 (VCV002978830.4), dbSNP rs1305404947, ClinGen allele CA342143812.
Genomic context (GRCh38, chr1:146,019,689, plus strand): 5'-CCTCCTCCTCCTCCTCGAAGTGCTCCTGATGAACCCCCACCTCTAAGGCTCAGAGTGGAC[G>T]ATACGTACTCAGCATTGCAGCGGAGGATCTTGCATTGAGAATGAGCTAAAGACAGAAGGG-3'